The following is an entry in ClinVar:

NM_000051.4(ATM):c.2057T>A (p.Leu686His)

Gene: ATM (ATM serine/threonine kinase; plus strand). Cytogenetic location: 11q22.3.
Variant type: single nucleotide variant.
Coding change: c.2057T>A on transcript NM_000051.4 (MANE Select); coding-DNA position 2057, T replaced by A.
Protein change: p.Leu686His; replaces leucine 686 with histidine.
Molecular consequence: missense variant.
Genome position (GRCh38, 1-based): chr11:108,253,972, T>A. VCF-style: chr11-108253972-T-A. GRCh37 (hg19) VCF-style: chr11-108124699-T-A.
Other names: c.2057T>A, p.Leu686His (NM_001351834.2); short protein forms L686H.
Identifiers: ClinVar variation 481138 (VCV000481138.20), dbSNP rs1239416977, ClinGen allele CA382537471.

ClinVar aggregate classification (germline): Uncertain significance. Review status: criteria provided, multiple submitters, no conflicts (2 of 4 stars). 5 submissions from 5 submitters: Uncertain significance (4). 1 of the submissions does not count toward it. Last evaluated 2026-01-05.

Conditions:
Hereditary cancer-predisposing syndrome. Also called: Hereditary neoplastic syndrome; Neoplastic Syndromes, Hereditary; Tumor predisposition; Hereditary Cancer Syndrome. Identifiers: Orphanet 140162, MedGen C0027672, MeSH D009386, MONDO:0015356.
Ataxia-telangiectasia syndrome (AT). Also called: LOUIS-BAR SYNDROME; Cerebello-oculocutaneous telangiectasia; Immunodeficiency with ataxia telangiectasia; AT, COMPLEMENTATION GROUP C; Ataxia-telangiectasia, complementation group D; ATAXIA-TELANGIECTASIA, COMPLEMENTATION GROUP A. Identifiers: Orphanet 100, MedGen C0004135, MONDO:0008840, OMIM 208900.

Allele frequency attached by ClinVar (database versions not stated): gnomAD exomes 0.00001; gnomAD 0.00003.

Submissions (5):

Labcorp Genetics (formerly Invitae), Labcorp
Classification: Uncertain significance for Ataxia-telangiectasia syndrome. Last evaluated: 2026-01-05. Review status: criteria provided, single submitter. Criteria: Invitae Variant Classification Sherloc (09022015). Collection method: clinical testing. Allele origin: germline.
Comment: This sequence change replaces leucine, which is neutral and non-polar, with histidine, which is basic and polar, at codon 686 of the ATM protein (p.Leu686His). This variant is present in population databases (no rsID available, gnomAD 0.007%). This missense change has been observed in individual(s) with breast cancer (PMID: 35127508). ClinVar contains an entry for this variant (Variation ID: 481138). Invitae Evidence Modeling of protein sequence and biophysical properties (such as structural, functional, and spatial information, amino acid conservation, physicochemical variation, residue mobility, and thermodynamic stability) indicates that this missense variant is not expected to disrupt ATM protein function with a negative predictive value of 95%. In summary, the available evidence is currently insufficient to determine the role of this variant in disease. Therefore, it has been classified as a Variant of Uncertain Significance.

Color Diagnostics, LLC DBA Color Health
Classification: Uncertain significance for Hereditary cancer-predisposing syndrome. Last evaluated: 2024-08-07. Review status: criteria provided, single submitter. Criteria: ACMG Guidelines, 2015. Collection method: clinical testing. Allele origin: germline.
Comment: This missense variant replaces leucine with histidine at codon 686 of the ATM protein. Computational prediction is inconclusive regarding the impact of this variant on protein structure and function. To our knowledge, functional studies have not been reported for this variant. This variant has been reported in individuals affected with breast cancer (PMID: 33471991, 35127508). This variant has been identified in 3/282774 chromosomes in the general population by the Genome Aggregation Database (gnomAD). The available evidence is insufficient to determine the role of this variant in disease conclusively. Therefore, this variant is classified as a Variant of Uncertain Significance.

Ambry Genetics
Classification: Uncertain significance for Hereditary cancer-predisposing syndrome. Last evaluated: 2023-05-04. Review status: criteria provided, single submitter. Criteria: Ambry Variant Classification Scheme 2023. Collection method: clinical testing. Allele origin: germline.
Comment: The p.L686H variant (also known as c.2057T>A), located in coding exon 12 of the ATM gene, results from a T to A substitution at nucleotide position 2057. The leucine at codon 686 is replaced by histidine, an amino acid with similar properties. This amino acid position is highly conserved in available vertebrate species. In addition, this alteration is predicted to be deleterious by in silico analysis. Since supporting evidence is limited at this time, the clinical significance of this alteration remains unclear.

GeneDx
Classification: Uncertain significance. Last evaluated: 2019-06-13. Review status: criteria provided, single submitter. Criteria: GeneDx Variant Classification Process June 2021. Collection method: clinical testing. Allele origin: germline. Affected: yes.
Comment: Not observed at a significant frequency in large population cohorts (Lek et al., 2016); In silico analysis, which includes protein predictors and evolutionary conservation, supports that this variant does not alter protein structure/function; Has not been previously published as pathogenic or benign to our knowledge

Natera, Inc.
Classification: Uncertain significance for Ataxia-telangiectasia. Last evaluated: 2020-07-12. Review status: no assertion criteria provided. Collection method: clinical testing. Allele origin: germline. Not counted in ClinVar's aggregate classification.

Literature cited by the submitters: PubMed 35127508 (cited by Labcorp Genetics (formerly Invitae), Labcorp and Color Diagnostics, LLC DBA Color Health); PubMed 33471991 (cited by Color Diagnostics, LLC DBA Color Health).